The following is an entry in ClinVar:

NM_001099220.3(ZNF862):c.2701C>T (p.Arg901Trp)

Gene: ZNF862 (zinc finger protein 862; plus strand). Cytogenetic location: 7q36.1.
Variant type: single nucleotide variant.
Coding change: c.2701C>T on transcript NM_001099220.3 (MANE Select); coding-DNA position 2701, C replaced by T.
Protein change: p.Arg901Trp; replaces arginine 901 with tryptophan.
Molecular consequence: missense variant.
Genome position (GRCh38, 1-based): chr7:149,861,861, C>T. VCF-style: chr7-149861861-C-T. GRCh37 (hg19) VCF-style: chr7-149558950-C-T.
Other names: short protein forms R901W.
Identifiers: ClinVar variation 2519083 (VCV002519083.3), dbSNP rs1329262526, ClinGen allele CA369831721.
Genomic context (GRCh38, chr7:149,861,861, plus strand): 5'-AGCCTCCGTCACCAGGCAGGGCCCAAAGAGGAAGAATTCAACGCCAGCTTCAAGGATGGG[C>T]GGCTCCACGGCATCTGCTTGGACAAACTGGAGGTAGCGGAACAGCGGTTCCAGGCGGATA-3'
Protein context (NP_001092690.1, residues 891-911): EEFNASFKDG[Arg901Trp]LHGICLDKLE

ClinVar aggregate classification (germline): Conflicting classifications of pathogenicity. Review status: criteria provided, conflicting classifications (1 of 4 stars). 2 submissions from 2 submitters: Uncertain significance (1); Likely benign (1). Last evaluated 2026-03-26.

Conditions:
Fibromatosis, gingival, 6. Identifiers: MedGen C5975501, MONDO:0975841, OMIM 620999.

Allele frequency attached by ClinVar (database versions not stated): gnomAD 0.00001; gnomAD exomes 0.00002.
gnomAD v4.1: 32 of 1,613,544 alleles (0.002%); highest among the groups gnomAD compares: South Asian, 0.0033%; no homozygotes.

Submissions (2):

Centre for Medical Genetics,  Mumbai
Classification: Likely benign for Fibromatosis, gingival, 6. Last evaluated: 2026-03-26. Review status: criteria provided, single submitter. Criteria: ACMG Guidelines, 2015. Collection method: provider interpretation. Allele origin: germline. Inheritance: Autosomal dominant inheritance. Affected: no. Observed: 1 variant allele, 1 heterozygote.
Comment: The variant satisfies PM2 criteria; Extremely low frequency in gnomAD population databases. The variant satisfies BP4 criteria; For a missense or a splice region variant, computational prediction tools unanimously support a benign effect on the gene. However, the variant satisfies BS2 criteria.

Ambry Genetics
Classification: Uncertain significance. Last evaluated: 2023-06-06. Review status: criteria provided, single submitter. Criteria: Ambry Variant Classification Scheme 2023. Collection method: clinical testing. Allele origin: germline.

Literature cited by the submitters: PubMed 35142290 (cited by Centre for Medical Genetics,  Mumbai).